The following is an entry in ClinVar:

ClinVar aggregate classification (germline): Conflicting classifications of pathogenicity. Review status: criteria provided, conflicting classifications (1 of 4 stars). 3 submissions from 3 submitters: Uncertain significance (2); Likely benign (1). Last evaluated 2025-02-20.

Conditions:
Hereditary cancer-predisposing syndrome. Also called: Tumor predisposition; Hereditary neoplastic syndrome; Neoplastic Syndromes, Hereditary; Hereditary Cancer Syndrome. Identifiers: Orphanet 140162, MedGen C0027672, MeSH D009386, MONDO:0015356.

Allele frequency attached by ClinVar (database versions not stated): gnomAD 0.00001.
gnomAD v4.1: 3 of 1,613,894 alleles (0.00019%); highest among the groups gnomAD compares: African/African-American, 0.004%; no homozygotes.

Submissions (3):

Ambry Genetics
Classification: Likely benign for Hereditary cancer-predisposing syndrome. Last evaluated: 2025-02-20. Review status: criteria provided, single submitter. Criteria: Ambry Variant Classification Scheme 2023. Collection method: clinical testing. Allele origin: germline.

GeneDx
Classification: Uncertain significance. Last evaluated: 2024-09-30. Review status: criteria provided, single submitter. Criteria: GeneDx Variant Classification Process June 2021. Collection method: clinical testing. Allele origin: germline. Affected: yes.
Comment: Not observed at significant frequency in large population cohorts (gnomAD); In silico analysis indicates that this missense variant does not alter protein structure/function; Has not been previously published as pathogenic or benign to our knowledge; This variant is associated with the following publications: (PMID: 34954471)

Labcorp Genetics (formerly Invitae), Labcorp
Classification: Uncertain significance. Last evaluated: 2022-04-25. Review status: criteria provided, single submitter. Criteria: Invitae Variant Classification Sherloc (09022015). Collection method: clinical testing. Allele origin: germline.
Comment: This variant has not been reported in the literature in individuals affected with POLE-related conditions. The frequency data for this variant in the population databases is considered unreliable, as metrics indicate poor data quality at this position in the gnomAD database. This sequence change replaces leucine, which is neutral and non-polar, with isoleucine, which is neutral and non-polar, at codon 1186 of the POLE protein (p.Leu1186Ile). In summary, the available evidence is currently insufficient to determine the role of this variant in disease. Therefore, it has been classified as a Variant of Uncertain Significance. Algorithms developed to predict the effect of missense changes on protein structure and function (SIFT, PolyPhen-2, Align-GVGD) all suggest that this variant is likely to be tolerated.

NM_006231.4(POLE):c.3556C>A (p.Leu1186Ile)

Gene: POLE (DNA polymerase epsilon, catalytic subunit; minus strand). Cytogenetic location: 12q24.33.
Variant type: single nucleotide variant.
Coding change: c.3556C>A on transcript NM_006231.4 (MANE Select); coding-DNA position 3556, C replaced by A.
Protein change: p.Leu1186Ile; replaces leucine 1186 with isoleucine.
Molecular consequence: missense variant.
Genome position (GRCh38, 1-based): chr12:132,657,162, G>T on the plus strand (C>A on the coding strand, the complement: POLE is on the minus strand). VCF-style: chr12-132657162-G-T. GRCh37 (hg19) VCF-style: chr12-133233748-G-T.
Other names: c.3556C>A (NM_006231.2); short protein forms L1186I.
Identifiers: ClinVar variation 2199539 (VCV002199539.6), dbSNP rs1168899671, ClinGen allele CA387388369.